The following is an entry in ClinVar:

ClinVar aggregate classification (germline): Likely pathogenic (1 of 4 stars; one submission).

Conditions:
Encephalopathy, progressive, early-onset, with brain edema and/or leukoencephalopathy, 1 (PEBEL1). Also called: NAD(P)HX epimerase deficiency. Identifiers: Orphanet 555407, MedGen C4310675, MONDO:0020781, OMIM 617186.

Allele frequency attached by ClinVar (database versions not stated): gnomAD exomes below 0.00001.
gnomAD v4.1: 2 of 1,614,216 alleles (0.00012%); highest among the groups gnomAD compares: African/African-American, 0.0027%; no homozygotes.

Submission:

3billion
Classification: Likely pathogenic for Encephalopathy, progressive, early-onset, with brain edema and/or leukoencephalopathy, 1. Last evaluated: 2021-10-02. Review status: criteria provided, single submitter. Criteria: ACMG Guidelines, 2015. Collection method: clinical testing. Allele origin: unknown. Affected: yes. Observed: 1 heterozygote.
Comment: It is not observed in the gnomAD v2.1.1 dataset (PM2). The variant was observed in trans with a pathogenic variant (NM_144772.2: c.229del) as compound heterozygous (3billion dataset, PM3). The variant has been reported to co-segregate with the disease in at least one similarly affected relative/individual in the same family (3billion dataset, PP1). In silico tool predictions suggest damaging effect of the variant on gene or gene product (REVEL: 0.802, PP3). Therefore, this variant is classified as likely pathogenic according to the recommendation of ACMG/AMP guideline.

NM_144772.3(NAXE):c.611T>C (p.Leu204Pro)

Gene: NAXE (NAD(P)HX epimerase; plus strand). Cytogenetic location: 1q22.
Variant type: single nucleotide variant.
Coding change: c.611T>C on transcript NM_144772.3 (MANE Select); coding-DNA position 611, T replaced by C.
Protein change: p.Leu204Pro; replaces leucine 204 with proline.
Molecular consequence: missense variant.
Genome position (GRCh38, 1-based): chr1:156,593,502, T>C. VCF-style: chr1-156593502-T-C. GRCh37 (hg19) VCF-style: chr1-156563294-T-C.
Other names: short protein forms L204P.
Identifiers: ClinVar variation 1320163 (VCV001320163.1), dbSNP rs2102491191, ClinGen allele CA342875140.